The following is an entry in ClinVar:

NM_005120.3(MED12):c.5422C>T (p.Arg1808Trp)

Gene: MED12 (mediator complex subunit 12; plus strand). Cytogenetic location: Xq13.1.
Variant type: single nucleotide variant.
Coding change: c.5422C>T on transcript NM_005120.3 (MANE Select); coding-DNA position 5422, C replaced by T.
Protein change: p.Arg1808Trp; replaces arginine 1808 with tryptophan.
Molecular consequence: missense variant.
Genome position (GRCh38, 1-based): chrX:71,136,900, C>T. VCF-style: chrX-71136900-C-T. GRCh37 (hg19) VCF-style: chrX-70356750-C-T.
Other names: short protein forms R1808W.
Identifiers: ClinVar variation 1305001 (VCV001305001.9), dbSNP rs372271659, ClinGen allele CA10444782.
Genomic context (GRCh38, chrX:71,136,900, plus strand): 5'-CTACAACCCACTCACCCTCTTCCTCTGCCACTCACACAGGACTATGGAATGGGCCCGGGT[C>T]GGAGCGGCCCTTATGGTGTGACAGTGCCTCCGGACCTCCTGCACCACCCAAACCCTGGTT-3'
Protein context (NP_005111.2, residues 1798-1818): KTEDYGMGPG[Arg1808Trp]SGPYGVTVPP

ClinVar aggregate classification (germline): Uncertain significance. Review status: criteria provided, multiple submitters, no conflicts (2 of 4 stars). 5 submissions from 5 submitters: Uncertain significance (4). 1 of the submissions does not count toward it. Last evaluated 2025-10-12.

Conditions:
FG syndrome (FGS). Identifiers: MedGen C0220769, MONDO:0002010.
Familial thoracic aortic aneurysm and aortic dissection (TAAD). Also called: Thoracic aortic aneurysms and dissections. Identifiers: Orphanet 91387, MedGen C4707243, MONDO:0019625.
MED12-Related Disorders. Also called: MED12-related disorder; MED12-related condition. Identifiers: MedGen CN381102.

Allele frequency attached by ClinVar (database versions not stated): gnomAD exomes below 0.00001; TOPMed below 0.00001; ExAC 0.00001; ESP Exome Variant Server 0.00010.
gnomAD v4.1: 1 of 1,211,034 alleles (0.000083%); highest among the groups gnomAD compares: Non-Finnish European, 0.00011%; no homozygotes.

Submissions (5):

Labcorp Genetics (formerly Invitae), Labcorp
Classification: Uncertain significance for FG syndrome. Last evaluated: 2025-10-12. Review status: criteria provided, single submitter. Criteria: Invitae Variant Classification Sherloc (09022015). Collection method: clinical testing. Allele origin: germline.
Comment: This sequence change replaces arginine, which is basic and polar, with tryptophan, which is neutral and slightly polar, at codon 1808 of the MED12 protein (p.Arg1808Trp). The frequency data for this variant in the population databases is considered unreliable, as metrics indicate poor data quality at this position in the gnomAD database. This variant has not been reported in the literature in individuals affected with MED12-related conditions. ClinVar contains an entry for this variant (Variation ID: 1305001). Invitae Evidence Modeling of protein sequence and biophysical properties (such as structural, functional, and spatial information, amino acid conservation, physicochemical variation, residue mobility, and thermodynamic stability) indicates that this missense variant is not expected to disrupt MED12 protein function with a negative predictive value of 95%. In summary, the available evidence is currently insufficient to determine the role of this variant in disease. Therefore, it has been classified as a Variant of Uncertain Significance.

Ambry Genetics
Classification: Uncertain significance for Familial thoracic aortic aneurysm and aortic dissection. Last evaluated: 2023-04-07. Review status: criteria provided, single submitter. Criteria: Ambry Variant Classification Scheme 2023. Collection method: clinical testing. Allele origin: germline.
Comment: The p.R1808W variant (also known as c.5422C>T), located in coding exon 38 of the MED12 gene, results from a C to T substitution at nucleotide position 5422. The arginine at codon 1808 is replaced by tryptophan, an amino acid with dissimilar properties. This amino acid position is conserved. In addition, this alteration is predicted to be tolerated by in silico analysis. Since supporting evidence is limited at this time, the clinical significance of this alteration remains unclear.

Institute for Clinical Genetics, University Hospital TU Dresden, University Hospital TU Dresden
Classification: Uncertain significance. Last evaluated: 2022-08-03. Review status: criteria provided, single submitter. Criteria: ACMG Guidelines, 2015. Collection method: clinical testing. Allele origin: germline.
Comment: PP3, PM2_SUP

GeneDx
Classification: Uncertain significance. Last evaluated: 2019-04-09. Review status: criteria provided, single submitter. Criteria: GeneDx Variant Classification Process June 2021. Collection method: clinical testing. Allele origin: germline. Affected: yes.
Comment: In silico analysis, which includes protein predictors and evolutionary conservation, supports that this variant does not alter protein structure/function; Has not been previously published as pathogenic or benign to our knowledge; No data available from control populations to assess the frequency of this variant

PreventionGenetics, part of Exact Sciences
Classification: Uncertain significance for MED12-related condition. Last evaluated: 2024-09-07. Review status: no assertion criteria provided. Collection method: clinical testing. Allele origin: germline. Not counted in ClinVar's aggregate classification.
Comment: The MED12 c.5422C>T variant is predicted to result in the amino acid substitution p.Arg1808Trp. To our knowledge, this variant has not been reported in the literature. This variant is reported in 0.0074% of alleles in individuals of East Asian descent in gnomAD. At this time, the clinical significance of this variant is uncertain due to the absence of conclusive functional and genetic evidence.